The following is an entry in ClinVar:

ClinVar aggregate classification (germline): Uncertain significance. Review status: criteria provided, multiple submitters, no conflicts (2 of 4 stars). 3 submissions from 3 submitters: Uncertain significance (3). Last evaluated 2025-04-17.

Conditions:
Renal tubular acidosis, distal, 3, with or without sensorineural hearing loss (DRTA3). Identifiers: MedGen C5399980, MONDO:0011268, OMIM 602722.
Inborn genetic diseases. Identifiers: MedGen C0950123, MeSH D030342.

Allele frequency attached by ClinVar (database versions not stated): gnomAD exomes 0.00001 and 0.00002; ExAC 0.00002; gnomAD 0.00003; TOPMed 0.00006; ESP Exome Variant Server 0.00023.
gnomAD v4.1: 15 of 1,613,716 alleles (0.00093%); highest among the groups gnomAD compares: African/African-American, 0.013%; no homozygotes.

Submissions (3):

Ambry Genetics
Classification: Uncertain significance for Inborn genetic diseases. Last evaluated: 2025-04-17. Review status: criteria provided, single submitter. Criteria: Ambry Variant Classification Scheme 2023. Collection method: clinical testing. Allele origin: germline.

Labcorp Genetics (formerly Invitae), Labcorp
Classification: Uncertain significance. Last evaluated: 2022-05-20. Review status: criteria provided, single submitter. Criteria: Invitae Variant Classification Sherloc (09022015). Collection method: clinical testing. Allele origin: germline.
Comment: This variant has not been reported in the literature in individuals affected with ATP6V0A4-related conditions. In summary, the available evidence is currently insufficient to determine the role of this variant in disease. Therefore, it has been classified as a Variant of Uncertain Significance. Algorithms developed to predict the effect of sequence changes on RNA splicing suggest that this variant may create or strengthen a splice site. Algorithms developed to predict the effect of missense changes on protein structure and function are either unavailable or do not agree on the potential impact of this missense change (SIFT: "Tolerated"; PolyPhen-2: "Probably Damaging"; Align-GVGD: "Class C0"). ClinVar contains an entry for this variant (Variation ID: 1018488). This variant is present in population databases (rs141194465, gnomAD 0.01%). This sequence change replaces lysine, which is basic and polar, with arginine, which is basic and polar, at codon 824 of the ATP6V0A4 protein (p.Lys824Arg).

Fulgent Genetics
Classification: Uncertain significance for Renal tubular acidosis, distal, 3, with or without sensorineural hearing loss. Last evaluated: 2021-11-02. Review status: criteria provided, single submitter. Criteria: ACMG Guidelines, 2015. Collection method: clinical testing. Allele origin: unknown.

NM_020632.3(ATP6V0A4):c.2471A>G (p.Lys824Arg)

Gene: ATP6V0A4 (ATPase H+ transporting V0 subunit a4; minus strand). Cytogenetic location: 7q34.
Variant type: single nucleotide variant.
Coding change: c.2471A>G on transcript NM_020632.3 (MANE Select); coding-DNA position 2471, A replaced by G.
Protein change: p.Lys824Arg; replaces lysine 824 with arginine.
Molecular consequence: missense variant.
Genome position (GRCh38, 1-based): chr7:138,706,676, T>C on the plus strand (A>G on the coding strand, the complement: ATP6V0A4 is on the minus strand). VCF-style: chr7-138706676-T-C. GRCh37 (hg19) VCF-style: chr7-138391421-T-C.
Other names: c.2471A>G (NM_020632.2); c.2471A>G, p.Lys824Arg (NM_130840.3, NM_130841.3); short protein forms K824R.
Identifiers: ClinVar variation 1018488 (VCV001018488.12), dbSNP rs141194465, ClinGen allele CA4504405.